The following is an entry in ClinVar:

NM_000540.3(RYR1):c.7374_7614+31delinsT

Gene: RYR1 (ryanodine receptor 1; plus strand). Cytogenetic location: 19q13.2.
Variant type: Indel.
Coding change: c.7374_7614+31delinsT on transcript NM_000540.3 (MANE Select); coding-DNA position 7374 through 31 bases into the intron after coding-DNA position 7614, the reference bases replaced by T.
Molecular consequence: splice acceptor variant, splice donor variant.
Genome position (GRCh38, 1-based): chr19:38,500,656-38,501,021, 366 bases replaced. GRCh37 (hg19): chr19:38,991,296-38,991,661.
Other names: c.7374_7614+31delinsT (NM_001042723.2).
Identifiers: ClinVar variation 4888342 (VCV004888342.1).

ClinVar aggregate classification (germline): Likely pathogenic (1 of 4 stars; one submission).

Conditions:
Malignant hyperthermia, susceptibility to, 1 (MHS1). Also called: RYR1-Related Malignant Hyperthermia Susceptibility; Malignant hyperthermia suceptibility 1; Anesthesia related hyperthermia; Malignant hyperpyrexia; Fulminating hyperpyrexia; Pharmacogenic myopathy. Identifiers: Orphanet 423, MedGen C2930980, MONDO:0007783, OMIM 145600.
Central core myopathy (CMYO1A). Also called: CONGENITAL MYOPATHY 1A, AUTOSOMAL DOMINANT, WITH SUSCEPTIBILITY TO MALIGNANT HYPERTHERMIA; Central core disease; Myopathy, central fibrillar. Identifiers: Orphanet 597, MedGen C5830701, MONDO:0007294, OMIM 117000.

Submission:

New York Genome Center
Classification: Likely pathogenic for Malignant hyperthermia, susceptibility to, 1; Central core myopathy. Last evaluated: 2023-08-11. Review status: criteria provided, single submitter. Criteria: NYGC Assertion Criteria 2020. Collection method: clinical testing. Allele origin: inherited. Affected: yes. Observed: 1 variant allele, 1 compound heterozygote.
Comment: The g.38500656_38501021delinsT deletion-insertion variant identified in RYR1 results in removal of 366 nucleotides and insertion of a single nucleotide. The 5’ breakpoint of this genomic deletion resides within exon-46 whereas it’s 3’ breakpoint is in intron-47, thus removing partial exon 46, full intron 46, full exon 47, and partial intron 47 of RYR1. This variant has not been reported in affected individuals in the literature or in the ClinVar database. This variant is absent from gnomAD SVs v2.1 population database suggesting it is not a common benign variant in the populations represented in that database. This variant is expected to result in loss-of-function either through protein truncation or nonsense mediated mRNA decay. Based on the available evidence, the g.38500656_38501021delinsT variant in RYR1 is reported as Likely Pathogenic.